The following is an entry in ClinVar:

NM_018684.4(ZC4H2):c.446C>T (p.Pro149Leu)

Gene: ZC4H2 (zinc finger C4H2-type containing; minus strand). Cytogenetic location: Xq11.2.
Variant type: single nucleotide variant.
Coding change: c.446C>T on transcript NM_018684.4 (MANE Select); coding-DNA position 446, C replaced by T.
Protein change: p.Pro149Leu; replaces proline 149 with leucine.
Molecular consequence: missense variant. On other transcripts: non-coding transcript variant (1), intron variant (1).
Genome position (GRCh38, 1-based): chrX:64,919,157, G>A on the plus strand (C>T on the coding strand, the complement: ZC4H2 is on the minus strand). VCF-style: chrX-64919157-G-A. GRCh37 (hg19) VCF-style: chrX-64139037-G-A.
Other names: c.377C>T, p.Pro126Leu (NM_001178032.3, NM_001243804.2); c.398+924C>T (NM_001178033.3); short protein forms P126L, P149L.
Identifiers: ClinVar variation 3769881 (VCV003769881.1).

ClinVar aggregate classification (germline): Uncertain significance (1 of 4 stars; one submission).

gnomAD v4.1: 1 of 1,210,553 alleles (0.000083%); highest among the groups gnomAD compares: African/African-American, 0.0017%; no homozygotes.

Submission:

GeneDx
Classification: Uncertain significance. Last evaluated: 2024-09-16. Review status: criteria provided, single submitter. Criteria: GeneDx Variant Classification Process June 2021. Collection method: clinical testing. Allele origin: germline. Affected: yes.
Comment: In silico analysis supports that this missense variant has a deleterious effect on protein structure/function; Not observed at significant frequency in large population cohorts (gnomAD); Has not been previously published as pathogenic or benign to our knowledge